The following is an entry in ClinVar:

NM_001205293.3(CACNA1E):c.2195_2203del (p.Ala732_Glu734del)

Gene: CACNA1E (calcium voltage-gated channel subunit alpha1 E; plus strand). Cytogenetic location: 1q25.3.
Variant type: Deletion.
Coding change: c.2195_2203del on transcript NM_001205293.3 (MANE Select); coding-DNA positions 2195 to 2203, 9 bases deleted (CCAAGGAGG; older notation c.2195_2203delCCAAGGAGG).
Protein change: p.Ala732_Glu734del.
Molecular consequence: inframe deletion.
Genome position (GRCh38, 1-based): chr1:181,726,117-181,726,125, CCAAGGAGG deleted; deleting any 9 consecutive bases within chr1:181,726,114-181,726,125 gives the same sequence; the c. name uses the placement nearest the transcript's 3' end. VCF-style (leftmost placement, unchanged base first): chr1-181726113-AAGGCCAAGG-A. GRCh37 (hg19) VCF-style: chr1-181695249-AAGGCCAAGG-A.
Other names: c.2195_2203del, p.Ala732_Glu734del (NM_000721.4, NM_001205294.2).
Identifiers: ClinVar variation 4725347 (VCV004725347.1).

ClinVar aggregate classification (germline): Uncertain significance (1 of 4 stars; one submission).

Submission:

Labcorp Genetics (formerly Invitae), Labcorp
Classification: Uncertain significance. Last evaluated: 2025-08-13. Review status: criteria provided, single submitter. Criteria: Invitae Variant Classification Sherloc (09022015). Collection method: clinical testing. Allele origin: germline.
Comment: This variant, c.2195_2203del, results in the deletion of 3 amino acid(s) of the CACNA1E protein (p.Ala732_Glu734del), but otherwise preserves the integrity of the reading frame. This variant is not present in population databases (gnomAD no frequency). This variant has not been reported in the literature in individuals affected with CACNA1E-related conditions. Experimental studies and prediction algorithms are not available or were not evaluated, and the functional significance of this variant is currently unknown. In summary, the available evidence is currently insufficient to determine the role of this variant in disease. Therefore, it has been classified as a Variant of Uncertain Significance.